The following is an entry in ClinVar:

NM_024577.4(SH3TC2):c.3762G>A (p.Arg1254=)

Gene: SH3TC2 (SH3 domain and tetratricopeptide repeats 2; minus strand). Cytogenetic location: 5q32.
Variant type: single nucleotide variant.
Coding change: c.3762G>A on transcript NM_024577.4 (MANE Select); coding-DNA position 3762, G replaced by A.
Protein change: p.Arg1254=; no amino-acid change (arginine 1254 retained).
Molecular consequence: synonymous variant.
Genome position (GRCh38, 1-based): chr5:149,004,816, C>T on the plus strand (G>A on the coding strand, the complement: SH3TC2 is on the minus strand). VCF-style: chr5-149004816-C-T. GRCh37 (hg19) VCF-style: chr5-148384379-C-T.
Other names: c.3762G>A (NM_024577.3).
Identifiers: ClinVar variation 809818 (VCV000809818.50), dbSNP rs374376222, ClinGen allele CA3498633.

ClinVar aggregate classification (germline): Likely benign. Review status: criteria provided, multiple submitters, no conflicts (2 of 4 stars). 4 submissions from 4 submitters: Likely benign (4). Last evaluated 2026-03-10.

Conditions:
Charcot-Marie-Tooth disease type 4. Also called: Charcot-Marie-Tooth, Type 4; Charcot-Marie-Tooth disease, type IV. Identifiers: Orphanet 64749, MedGen C4082197, MONDO:0018995.
SH3TC2-related disorder. Also called: SH3TC2-related condition; SH3TC2-related disorders. Identifiers: MedGen CN239303.

Allele frequency attached by ClinVar (database versions not stated): ExAC 0.00001; TOPMed 0.00001; ESP Exome Variant Server 0.00008.
gnomAD v4.1: 14 of 1,614,156 alleles (0.00087%); highest among the groups gnomAD compares: Non-Finnish European, 0.0011%; no homozygotes.

Submissions (4):

PreventionGenetics, part of Exact Sciences
Classification: Likely benign for SH3TC2-related condition. Last evaluated: 2026-03-10. Review status: criteria provided, single submitter. Criteria: ACMG Guidelines, 2015. Collection method: clinical testing. Allele origin: germline.
Comment: This variant is classified as likely benign based on ACMG/AMP sequence variant interpretation guidelines (Richards et al. 2015 PMID: 25741868, with internal and published modifications).

Labcorp Genetics (formerly Invitae), Labcorp
Classification: Likely benign for Charcot-Marie-Tooth disease type 4. Last evaluated: 2025-03-25. Review status: criteria provided, single submitter. Criteria: Invitae Variant Classification Sherloc (09022015). Collection method: clinical testing. Allele origin: germline.

Blueprint Genetics
Classification: Likely benign. Last evaluated: 2024-01-09. Review status: criteria provided, single submitter. Criteria: ACMG Guidelines, 2015. Collection method: clinical testing. Allele origin: germline.

CeGaT Center for Human Genetics Tuebingen
Classification: Likely benign. Last evaluated: 2019-01-01. Review status: criteria provided, single submitter. Criteria: CeGaT Center For Human Genetics Tuebingen Variant Classification Criteria Version 2. Collection method: clinical testing. Allele origin: germline. Affected: yes. Observed: 2 variant alleles.